The following is an entry in ClinVar:

ClinVar aggregate classification (germline): Uncertain significance. Review status: criteria provided, multiple submitters, no conflicts (2 of 4 stars). 2 submissions from 2 submitters: Uncertain significance (2). Last evaluated 2025-04-08.

Conditions:
Familial cancer of breast. Also called: hereditary breast carcinoma; Hereditary breast cancer; BREAST CANCER, FAMILIAL. Identifiers: Orphanet 227535, MedGen C0346153, MONDO:0016419, OMIM 114480. Disease mechanism: loss of function.

Allele frequency attached by ClinVar (database versions not stated): gnomAD exomes below 0.00001; ExAC 0.00001.

Submissions (2):

Molecular Pathology, Peter Maccallum Cancer Centre
Classification: Uncertain significance for Familial cancer of breast. Last evaluated: 2025-04-08. Review status: criteria provided, single submitter. Criteria: ACMG Guidelines, 2015. Collection method: clinical testing. Allele origin: germline. Inheritance: Autosomal dominant inheritance.

Labcorp Genetics (formerly Invitae), Labcorp
Classification: Uncertain significance for Familial cancer of breast. Last evaluated: 2020-11-11. Review status: criteria provided, single submitter. Criteria: Invitae Variant Classification Sherloc (09022015). Collection method: clinical testing. Allele origin: germline.
Comment: Algorithms developed to predict the effect of missense changes on protein structure and function (SIFT, PolyPhen-2, Align-GVGD) all suggest that this variant is likely to be tolerated, but these predictions have not been confirmed by published functional studies and their clinical significance is uncertain. In summary, the available evidence is currently insufficient to determine the role of this variant in disease. Therefore, it has been classified as a Variant of Uncertain Significance. This variant has not been reported in the literature in individuals with CHEK2-related conditions. This sequence change replaces arginine with isoleucine at codon 132 of the CHEK2 protein (p.Arg132Ile). The arginine residue is moderately conserved and there is a moderate physicochemical difference between arginine and isoleucine. This variant is present in population databases (rs750393263, ExAC 0.01%).

NM_007194.4(CHEK2):c.395G>T (p.Arg132Ile)

Gene: CHEK2 (checkpoint kinase 2; minus strand). Cytogenetic location: 22q12.1.
Variant type: single nucleotide variant.
Coding change: c.395G>T on transcript NM_007194.4 (MANE Select); coding-DNA position 395, G replaced by T.
Protein change: p.Arg132Ile; replaces arginine 132 with isoleucine.
Molecular consequence: missense variant.
Genome position (GRCh38, 1-based): chr22:28,725,292, C>A on the plus strand (G>T on the coding strand, the complement: CHEK2 is on the minus strand). VCF-style: chr22-28725292-C-A. GRCh37 (hg19) VCF-style: chr22-29121280-C-A.
Other names: c.524G>T, p.Arg175Ile (NM_001005735.3); c.-383G>T (NM_001257387.3); c.395G>T, p.Arg132Ile (NM_001349956.3, NM_145862.3); short protein forms R175I, R132I.
Identifiers: ClinVar variation 1510285 (VCV001510285.10), dbSNP rs750393263, ClinGen allele CA10168008.